The following is an entry in ClinVar:

ClinVar aggregate classification (germline): Uncertain significance (1 of 4 stars; one submission).

gnomAD v4.1: 6 of 1,614,090 alleles (0.00037%); highest among the groups gnomAD compares: South Asian, 0.0055%; no homozygotes.

Submission:

Women's Health and Genetics/Laboratory Corporation of America, LabCorp
Classification: Uncertain significance. Last evaluated: 2025-11-17. Review status: criteria provided, single submitter. Criteria: LabCorp Variant Classification Summary - May 2015. Collection method: clinical testing. Allele origin: germline.
Comment: Variant summary: JUP c.1238G>A (p.Gly413Asp) results in a non-conservative amino acid change in the encoded protein sequence. Algorithms developed to predict the effect of missense changes on protein structure and function are either unavailable or do not agree on the potential impact of this missense change. The variant was absent in 251428 control chromosomes. The available data on variant occurrences in the general population are insufficient to allow any conclusion about variant significance. To our knowledge, no occurrence of c.1238G>A in individuals affected with JUP-related conditions and no experimental evidence demonstrating its impact on protein function have been reported. No submitters have cited clinical-significance assessments for this variant to ClinVar. Based on the evidence outlined above, the variant was classified as uncertain significance.

NM_002230.4(JUP):c.1238G>A (p.Gly413Asp)

Gene: JUP (junction plakoglobin; minus strand). Cytogenetic location: 17q21.2.
Variant type: single nucleotide variant.
Coding change: c.1238G>A on transcript NM_002230.4 (MANE Select); coding-DNA position 1238, G replaced by A.
Protein change: p.Gly413Asp; replaces glycine 413 with aspartic acid.
Molecular consequence: missense variant.
Genome position (GRCh38, 1-based): chr17:41,763,242, C>T on the plus strand (G>A on the coding strand, the complement: JUP is on the minus strand). VCF-style: chr17-41763242-C-T. GRCh37 (hg19) VCF-style: chr17-39919494-C-T.
Other names: c.1238G>A, p.Gly413Asp (NM_001352773.2, NM_001352774.2, NM_001352775.2 and 3 more transcripts); short protein forms G413D.
Identifiers: ClinVar variation 4536649 (VCV004536649.1).